The following is an entry in ClinVar:

ClinVar aggregate classification (germline): Uncertain significance (1 of 4 stars; one submission).

Allele frequency attached by ClinVar (database versions not stated): gnomAD 0.00001; TOPMed 0.00001.
gnomAD v4.1: 3 of 1,613,714 alleles (0.00019%); highest among the groups gnomAD compares: African/African-American, 0.0013%; no homozygotes.

Submission:

Labcorp Genetics (formerly Invitae), Labcorp
Classification: Uncertain significance. Last evaluated: 2022-03-11. Review status: criteria provided, single submitter. Criteria: Invitae Variant Classification Sherloc (09022015). Collection method: clinical testing. Allele origin: germline.
Comment: This variant is present in population databases (no rsID available, gnomAD 0.007%). In summary, the available evidence is currently insufficient to determine the role of this variant in disease. Therefore, it has been classified as a Variant of Uncertain Significance. Algorithms developed to predict the effect of missense changes on protein structure and function are either unavailable or do not agree on the potential impact of this missense change (SIFT: "Tolerated"; PolyPhen-2: "Possibly Damaging"; Align-GVGD: "Class C0"). This variant has not been reported in the literature in individuals affected with RBP3-related conditions. This sequence change replaces glutamic acid, which is acidic and polar, with lysine, which is basic and polar, at codon 1153 of the RBP3 protein (p.Glu1153Lys).

NM_002900.3(RBP3):c.3457G>A (p.Glu1153Lys)

Gene: RBP3 (retinol binding protein 3; plus strand). Cytogenetic location: 10q11.22.
Variant type: single nucleotide variant.
Coding change: c.3457G>A on transcript NM_002900.3 (MANE Select); coding-DNA position 3457, G replaced by A.
Protein change: p.Glu1153Lys; replaces glutamic acid 1153 with lysine.
Molecular consequence: missense variant.
Genome position (GRCh38, 1-based): chr10:47,357,170, G>A. VCF-style: chr10-47357170-G-A. GRCh37 (hg19) VCF-style: chr10-48382192-C-T.
Other names: short protein forms E1153K.
Identifiers: ClinVar variation 1929651 (VCV001929651.5), dbSNP rs1387383463, ClinGen allele CA376677251.